The following is an entry in ClinVar:

NM_007315.4(STAT1):c.1363G>T (p.Val455Phe)

Gene: STAT1 (signal transducer and activator of transcription 1; minus strand). Cytogenetic location: 2q32.2.
Variant type: single nucleotide variant.
Coding change: c.1363G>T on transcript NM_007315.4 (MANE Select); coding-DNA position 1363, G replaced by T.
Protein change: p.Val455Phe; replaces valine 455 with phenylalanine.
Molecular consequence: missense variant.
Genome position (GRCh38, 1-based): chr2:190,983,725, C>A on the plus strand (G>T on the coding strand, the complement: STAT1 is on the minus strand). VCF-style: chr2-190983725-C-A. GRCh37 (hg19) VCF-style: chr2-191848451-C-A.
Other names: c.1303G>T, p.Val435Phe (NM_001384880.1); c.1369G>T, p.Val457Phe (NM_001384881.1, NM_001384884.1); c.1357G>T, p.Val453Phe (NM_001384882.1); c.1264G>T, p.Val422Phe (NM_001384883.1); c.1363G>T, p.Val455Phe (NM_139266.3, NM_001384886.1, NM_001384889.1); c.1204G>T, p.Val402Phe (NM_001384885.1); c.1270G>T, p.Val424Phe (NM_001384887.1); c.1333G>T, p.Val445Phe (NM_001384888.1); and 2 more; short protein forms V424F, V425F, V457F, V467F, V402F, V445F, V453F, V422F.
Identifiers: ClinVar variation 2940745 (VCV002940745.3), dbSNP rs371982540, ClinGen allele CA62671021.
Genomic context (GRCh38, chr2:190,983,725, plus strand): 5'-TGTACCAAAGGATGGAGGCCCAACCGCTCGGGAGCTGGCTGACGTTGGAGATCACCACAA[C>A]GGGCAGAGAGGTCGTCTAAAGGATGACAAAGACCTTGAAATCATCTGAATCACAGAAATG-3'
Protein context (NP_009330.1, residues 445-465): VIDLETTSLP[Val455Phe]VVISNVSQLP

ClinVar aggregate classification (germline): Uncertain significance (1 of 4 stars; one submission).

Conditions:
Immunodeficiency 31B. Also called: STAT1 DEFICIENCY, AUTOSOMAL RECESSIVE; IMMUNODEFICIENCY 31B, MYCOBACTERIAL AND VIRAL INFECTIONS, AUTOSOMAL RECESSIVE. Identifiers: Orphanet 391311, MedGen C3151088, MONDO:0013427, OMIM 613796.
Autoimmune enteropathy and endocrinopathy - susceptibility to chronic infections syndrome. Also called: Immunodeficiency 31C, autosomal dominant; Immunodeficiency 31C. Identifiers: Orphanet 391487, MedGen C3279990, MONDO:0013599, OMIM 614162.
Mendelian susceptibility to mycobacterial diseases due to partial STAT1 deficiency. Also called: IMMUNODEFICIENCY 31A, MYCOBACTERIOSIS, AUTOSOMAL DOMINANT; STAT1 DEFICIENCY, AUTOSOMAL DOMINANT; Immunodeficiency 31a. Identifiers: Orphanet 319595, MedGen C4013950, MONDO:0013956, OMIM 614892.

Submission:

Labcorp Genetics (formerly Invitae), Labcorp
Classification: Uncertain significance for Mendelian susceptibility to mycobacterial diseases due to partial STAT1 deficiency; Immunodeficiency 31B; Autoimmune enteropathy and endocrinopathy - susceptibility to chronic infections syndrome. Last evaluated: 2023-11-24. Review status: criteria provided, single submitter. Criteria: Invitae Variant Classification Sherloc (09022015). Collection method: clinical testing. Allele origin: germline.
Comment: This sequence change replaces valine, which is neutral and non-polar, with phenylalanine, which is neutral and non-polar, at codon 455 of the STAT1 protein (p.Val455Phe). This variant is not present in population databases (gnomAD no frequency). This variant has not been reported in the literature in individuals affected with STAT1-related conditions. An algorithm developed to predict the effect of missense changes on protein structure and function (PolyPhen-2) suggests that this variant is likely to be disruptive. In summary, the available evidence is currently insufficient to determine the role of this variant in disease. Therefore, it has been classified as a Variant of Uncertain Significance.